The following is an entry in ClinVar:

ClinVar aggregate classification (germline): Likely benign. Review status: criteria provided, multiple submitters, no conflicts (2 of 4 stars). 2 submissions from 2 submitters: Likely benign (2). Last evaluated 2026-09-01.

Conditions:
Autosomal recessive ataxia, Beauce type. Also called: Spinocerebellar ataxia, autosomal recessive 8; SYNE1 Deficiency; ATAXIA, RECESSIVE, OF BEAUCE; SYNE1-Related Autosomal Recessive Cerebellar Ataxia. Identifiers: Orphanet 88644, MedGen C1853116, MONDO:0012549, OMIM 610743.
Emery-Dreifuss muscular dystrophy 4, autosomal dominant (EDMD4). Also called: EMERY-DREIFUSS MUSCULAR DYSTROPHY 4 WITH VARIABLE FEATURES. Identifiers: Orphanet 261, MedGen C2751807, MONDO:0013071, OMIM 612998.

Allele frequency attached by ClinVar (database versions not stated): TOPMed below 0.00001; gnomAD 0.00001; gnomAD exomes 0.00001 and 0.00003.
gnomAD v4.1: 11 of 1,614,002 alleles (0.00068%); highest among the groups gnomAD compares: Admixed American, 0.013%; no homozygotes.

Submissions (2):

CeGaT Center for Human Genetics Tuebingen
Classification: Likely benign. Last evaluated: 2026-09-01. Review status: criteria provided, single submitter. Criteria: CeGaT Center For Human Genetics Tuebingen Variant Classification Criteria Version 2. Collection method: clinical testing. Allele origin: germline. Affected: yes. Observed: 2 variant alleles.
Comment: SYNE1: BP4, BP7

Labcorp Genetics (formerly Invitae), Labcorp
Classification: Likely benign for Emery-Dreifuss muscular dystrophy 4, autosomal dominant; Autosomal recessive ataxia, Beauce type. Last evaluated: 2023-03-06. Review status: criteria provided, single submitter. Criteria: Invitae Variant Classification Sherloc (09022015). Collection method: clinical testing. Allele origin: germline.

NM_182961.4(SYNE1):c.5037T>C (p.Ser1679=)

Gene: SYNE1 (spectrin repeat containing nuclear envelope protein 1; minus strand). Cytogenetic location: 6q25.2.
Variant type: single nucleotide variant.
Coding change: c.5037T>C on transcript NM_182961.4 (MANE Select); coding-DNA position 5037, T replaced by C.
Protein change: p.Ser1679=; no amino-acid change (serine 1679 retained).
Molecular consequence: synonymous variant.
Genome position (GRCh38, 1-based): chr6:152,427,756, A>G on the plus strand (T>C on the coding strand, the complement: SYNE1 is on the minus strand). VCF-style: chr6-152427756-A-G. GRCh37 (hg19) VCF-style: chr6-152748891-A-G.
Other names: c.5058T>C, p.Ser1686= (NM_033071.5).
Identifiers: ClinVar variation 1097627 (VCV001097627.11), dbSNP rs1010531718, ClinGen allele CA150217485.